The following is an entry in ClinVar:

ClinVar aggregate classification (germline): Pathogenic (1 of 4 stars; one submission).

Conditions:
Retinoblastoma (RB1). Also called: RETINOBLASTOMA, SOMATIC. Identifiers: Orphanet 790, MedGen C0035335, MeSH D012175, MONDO:0008380, OMIM 180200, HP:0009919. Disease mechanism: loss of function. Inheritance: Both sporadic and heritable forms are tested..

Submission:

Labcorp Genetics (formerly Invitae), Labcorp
Classification: Pathogenic for Retinoblastoma. Last evaluated: 2021-01-11. Review status: criteria provided, single submitter. Criteria: Invitae Variant Classification Sherloc (09022015). Collection method: clinical testing. Allele origin: unknown.
Comment: For these reasons, this variant has been classified as Pathogenic. This variant has been observed in individual(s) with bilateral retinoblastoma (Invitae). This variant results in a copy number gain of the genomic region encompassing exon(s) 18-19 of the RB1 gene. While the exact position of this variant cannot be determined from the data, sub-genic copy number gains are generally in tandem (PMID: 25640679). This variant is predicted to be out-of-frame, and may result in an absent or disrupted protein product. Loss-of-function variants in RB1 are known to be pathogenic (PMID: 17096365).

Literature cited by the submitters: PubMed 25640679; PubMed 17096365.

NC_000013.10:g.(?_49027119)_(49030495_?)dup

Gene: RB1 (RB transcriptional corepressor 1; plus strand). Cytogenetic location: 13q14.2.
Variant type: Duplication.
Identifiers: ClinVar variation 3244134 (VCV003244134.1).